The following is an entry in ClinVar:

NM_000228.3(LAMB3):c.1897C>T (p.Gln633Ter)

Gene: LAMB3 (laminin subunit beta 3; minus strand). Cytogenetic location: 1q32.2.
Variant type: single nucleotide variant.
Coding change: c.1897C>T on transcript NM_000228.3 (MANE Select); coding-DNA position 1897, C replaced by T.
Protein change: p.Gln633Ter; replaces glutamine 633 with a stop codon.
Molecular consequence: nonsense.
Genome position (GRCh38, 1-based): chr1:209,625,727, G>A on the plus strand (C>T on the coding strand, the complement: LAMB3 is on the minus strand). VCF-style: chr1-209625727-G-A. GRCh37 (hg19) VCF-style: chr1-209799072-G-A.
Other names: c.1897C>T, p.Gln633Ter (NM_001017402.2, NM_001127641.1); short protein forms Q633*.
Identifiers: ClinVar variation 1416370 (VCV001416370.7), dbSNP rs2102420131, ClinGen allele CA344589178.
Genomic context (GRCh38, chr1:209,625,727, plus strand): 5'-TGGCCACCTGAGCCACCTCCTGCTCTGTGACTGCGGGGCTGCTGAGAACTGCTCGGATCT[G>A]CTCAATCTTACTCTTTGCATCTAGGATCCGGGAGGCCAGGCCACGGTCCTCCAGCCCAGG-3'

ClinVar aggregate classification (germline): Pathogenic. Review status: criteria provided, multiple submitters, no conflicts (2 of 4 stars). 2 submissions from 2 submitters: Pathogenic (2). Last evaluated 2021-04-16.

Conditions:
Junctional epidermolysis bullosa gravis of Herlitz. Also called: Herlitz-type junctional epidermolysis bullosa; EPIDERMOLYSIS BULLOSA JUNCTIONALIS, HERLITZ TYPE; EPIDERMOLYSIS BULLOSA, JUNCTIONAL, HERLITZ-PEARSON TYPE; JEB-HERLITZ TYPE; EPIDERMOLYSIS BULLOSA, JUNCTIONAL 1B, SEVERE; Epidermolysis Bullosa Letalis. Identifiers: Orphanet 79404, MedGen C0079683, MONDO:0009182, OMIM 226700.

Submissions (2):

Labcorp Genetics (formerly Invitae), Labcorp
Classification: Pathogenic. Last evaluated: 2021-04-16. Review status: criteria provided, single submitter. Criteria: Invitae Variant Classification Sherloc (09022015). Collection method: clinical testing. Allele origin: germline.
Comment: For these reasons, this variant has been classified as Pathogenic. This variant has not been reported in the literature in individuals with LAMB3-related conditions. This variant is not present in population databases (ExAC no frequency). This sequence change creates a premature translational stop signal (p.Gln633*) in the LAMB3 gene. It is expected to result in an absent or disrupted protein product. Loss-of-function variants in LAMB3 are known to be pathogenic (PMID: 11023379, 16473856).

Kariminejad - Najmabadi Pathology & Genetics Center
Classification: Pathogenic for Junctional epidermolysis bullosa gravis of Herlitz. Review status: criteria provided, single submitter. Criteria: ACMG Guidelines, 2015. Collection method: clinical testing. Allele origin: germline. Affected: no.

Literature cited by the submitters: PubMed 11023379 (cited by Labcorp Genetics (formerly Invitae), Labcorp); PubMed 16473856 (cited by Labcorp Genetics (formerly Invitae), Labcorp).